The following is an entry in ClinVar:

NM_005876.5(SPEG):c.6224T>G (p.Leu2075Arg)

Genes: ASIC4-AS1 (ASIC4 antisense RNA 1; minus strand), SPEG (striated muscle enriched protein kinase; plus strand). Cytogenetic location: 2q35.
Variant type: single nucleotide variant.
Coding change: c.6224T>G on transcript NM_005876.5 (MANE Select); coding-DNA position 6224, T replaced by G.
Protein change: p.Leu2075Arg; replaces leucine 2075 with arginine.
Molecular consequence: missense variant.
Genome position (GRCh38, 1-based): chr2:219,483,687, T>G. VCF-style: chr2-219483687-T-G. GRCh37 (hg19) VCF-style: chr2-220348409-T-G.
Other names: short protein forms L2075R.
Identifiers: ClinVar variation 3168889 (VCV003168889.3), dbSNP rs892492321, ClinGen allele CA65990678.

ClinVar aggregate classification (germline): Uncertain significance. Review status: criteria provided, multiple submitters, no conflicts (2 of 4 stars). 2 submissions from 2 submitters: Uncertain significance (2). Last evaluated 2025-01-23.

Conditions:
Inborn genetic diseases. Identifiers: MedGen C0950123, MeSH D030342.

Allele frequency attached by ClinVar (database versions not stated): gnomAD 0.00001; TOPMed 0.00001.
gnomAD v4.1: 13 of 1,533,980 alleles (0.00085%); highest among the groups gnomAD compares: Non-Finnish European, 0.0011%; no homozygotes.

Submissions (2):

Labcorp Genetics (formerly Invitae), Labcorp
Classification: Uncertain significance. Last evaluated: 2025-01-23. Review status: criteria provided, single submitter. Criteria: Invitae Variant Classification Sherloc (09022015). Collection method: clinical testing. Allele origin: germline.
Comment: This sequence change replaces leucine, which is neutral and non-polar, with arginine, which is basic and polar, at codon 2075 of the SPEG protein (p.Leu2075Arg). This variant is present in population databases (no rsID available, gnomAD 0.004%). This variant has not been reported in the literature in individuals affected with SPEG-related conditions. ClinVar contains an entry for this variant (Variation ID: 3168889). An algorithm developed to predict the effect of missense changes on protein structure and function (PolyPhen-2) suggests that this variant is likely to be disruptive. In summary, the available evidence is currently insufficient to determine the role of this variant in disease. Therefore, it has been classified as a Variant of Uncertain Significance.

Ambry Genetics
Classification: Uncertain significance for Inborn genetic diseases. Last evaluated: 2023-03-13. Review status: criteria provided, single submitter. Criteria: Ambry Variant Classification Scheme 2023. Collection method: clinical testing. Allele origin: germline.